The following is an entry in ClinVar:

ClinVar aggregate classification (germline): Uncertain significance (1 of 4 stars; one submission).

Conditions:
Epidermolysis bullosa simplex with nail dystrophy (EBS5D). Identifiers: MedGen C4225309, MONDO:0014661, OMIM 616487.
Epidermolysis bullosa simplex, Ogna type (EBS5A). Also called: Pidermolysis bullosa simplex 5A, Ogna type; EPIDERMOLYSIS BULLOSA SIMPLEX 5A, OGNA TYPE. Identifiers: Orphanet 79401, MedGen C0432317, MONDO:0007555, OMIM 131950.
Autosomal recessive limb-girdle muscular dystrophy type 2Q (LGMDR17). Also called: MUSCULAR DYSTROPHY, LIMB-GIRDLE, AUTOSOMAL RECESSIVE 17. Identifiers: Orphanet 254361, MedGen C3150989, MONDO:0013390, OMIM 613723.
Epidermolysis bullosa simplex 5C, with pyloric atresia (EBS5C). Also called: PLEC-Related Epidermolysis Bullosa with Pyloric Atresia; Epidermolysis bullosa simplex with pyloric atresia; PLEC1-Related Epidermolysis Bullosa with Pyloric Atresia. Identifiers: Orphanet 158684, MedGen C2677349, MONDO:0012807, OMIM 612138.
Epidermolysis bullosa simplex 5B, with muscular dystrophy (EBS5B). Also called: EPIDERMOLYSIS BULLOSA SIMPLEX AND LIMB-GIRDLE MUSCULAR DYSTROPHY; Epidermolysis bullosa simplex with muscular dystrophy. Identifiers: Orphanet 257, MedGen C2931072, MONDO:0009181, OMIM 226670.

gnomAD v4.1: 1 of 1,610,134 alleles (0.000062%); highest among the groups gnomAD compares: Non-Finnish European, 0.000085%; no homozygotes.

Submission:

Labcorp Genetics (formerly Invitae), Labcorp
Classification: Uncertain significance for Autosomal recessive limb-girdle muscular dystrophy type 2Q; Epidermolysis bullosa simplex, Ogna type; Epidermolysis bullosa simplex with nail dystrophy; Epidermolysis bullosa simplex 5C, with pyloric atresia; Epidermolysis bullosa simplex 5B, with muscular dystrophy. Last evaluated: 2024-11-14. Review status: criteria provided, single submitter. Criteria: Invitae Variant Classification Sherloc (09022015). Collection method: clinical testing. Allele origin: germline.
Comment: This sequence change replaces serine, which is neutral and polar, with asparagine, which is neutral and polar, at codon 4286 of the PLEC protein (p.Ser4286Asn). This variant is not present in population databases (gnomAD no frequency). This variant has not been reported in the literature in individuals affected with PLEC-related conditions. ClinVar contains an entry for this variant (Variation ID: 478588). An algorithm developed to predict the effect of missense changes on protein structure and function (PolyPhen-2) suggests that this variant is likely to be disruptive. In summary, the available evidence is currently insufficient to determine the role of this variant in disease. Therefore, it has been classified as a Variant of Uncertain Significance.

NM_201384.3(PLEC):c.12776G>A (p.Ser4259Asn)

Gene: PLEC (plectin; minus strand). Cytogenetic location: 8q24.3.
Variant type: single nucleotide variant.
Coding change: c.12776G>A on transcript NM_201384.3 (MANE Select); coding-DNA position 12776, G replaced by A.
Protein change: p.Ser4259Asn; replaces serine 4259 with asparagine.
Molecular consequence: missense variant.
Genome position (GRCh38, 1-based): chr8:143,917,045, C>T on the plus strand (G>A on the coding strand, the complement: PLEC is on the minus strand). VCF-style: chr8-143917045-C-T. GRCh37 (hg19) VCF-style: chr8-144991213-C-T.
Other names: c.12857G>A, p.Ser4286Asn (NM_000445.5); c.12734G>A, p.Ser4245Asn (NM_201378.4); c.12710G>A, p.Ser4237Asn (NM_201379.3); c.13187G>A, p.Ser4396Asn (NM_201380.4); c.12680G>A, p.Ser4227Asn (NM_201381.3); c.12776G>A, p.Ser4259Asn (NM_201382.4); c.12788G>A, p.Ser4263Asn (NM_201383.3); short protein forms S4227N, S4237N, S4245N, S4259N, S4286N, S4396N, S4263N.
Identifiers: ClinVar variation 478588 (VCV000478588.9), dbSNP rs1220515680, ClinGen allele CA372478949.